The following is an entry in ClinVar:

NM_001754.5(RUNX1):c.979C>G (p.Leu327Val)

Gene: RUNX1 (RUNX family transcription factor 1; minus strand). Cytogenetic location: 21q22.12.
Variant type: single nucleotide variant.
Coding change: c.979C>G on transcript NM_001754.5 (MANE Select); coding-DNA position 979, C replaced by G.
Protein change: p.Leu327Val; replaces leucine 327 with valine.
Molecular consequence: missense variant.
Genome position (GRCh38, 1-based): chr21:34,792,599, G>C on the plus strand (C>G on the coding strand, the complement: RUNX1 is on the minus strand). VCF-style: chr21-34792599-G-C. GRCh37 (hg19) VCF-style: chr21-36164896-G-C.
Other names: NM_001754.5(RUNX1):c.979C>G; p.Leu327Val; c.898C>G, p.Leu300Val (NM_001001890.3); short protein forms L300V, L327V.
Identifiers: ClinVar variation 1438523 (VCV001438523.7), dbSNP rs1157267880, ClinGen allele CA410148810.

ClinVar aggregate classification (germline): Uncertain significance. Review status: reviewed by expert panel (3 of 4 stars). 2 submissions from 2 submitters: Uncertain significance (1). 1 of the submissions does not count toward it. Last evaluated 2024-10-29.

Conditions:
Hereditary thrombocytopenia and hematological cancer predisposition syndrome associated with RUNX1. Also called: Familial Platelet Disorder with Propensity to Acute Myelogenous Leukemia; Familial thrombocytopenia with propensity to acute myelogenous leukemia; RUNX1 Familial Platelet Disorder with Associated Myeloid Malignancies; PLATELET DISORDER, ASPIRIN-LIKE. Identifiers: Orphanet 71290, MedGen C1832388, MeSH C563324, MONDO:0100083, OMIM 601399.
Hereditary thrombocytopenia and hematologic cancer predisposition syndrome. Identifiers: Orphanet 71290, MedGen CN281654, MONDO:0011071.

Submissions (2):

ClinGen Myeloid Malignancy Variant Curation Expert Panel
Classification: Uncertain significance for Hereditary thrombocytopenia and hematologic cancer predisposition syndrome. Last evaluated: 2024-10-29. Review status: reviewed by expert panel. Criteria: ClinGen MyeloMalig ACMG Specifications v2. Collection method: curation. Allele origin: germline. Inheritance: Autosomal dominant inheritance.
Comment: NM_001754.5(RUNX1):c.979C>G (p.Leu327Val) is a missense variant which is completely absent from all population databases with at least 20x coverage for RUNX1 (PM2_Supporting). In summary, the clinical significance of this variant is uncertain. ACMG/AMP criteria applied, as specified by the Myeloid Malignancy Variant Curation Expert Panel for RUNX1: PM2_supporting.

Labcorp Genetics (formerly Invitae), Labcorp
Classification: Uncertain significance for Hereditary thrombocytopenia and hematological cancer predisposition syndrome associated with RUNX1. Last evaluated: 2021-08-24. Review status: criteria provided, single submitter. Criteria: Invitae Variant Classification Sherloc (09022015). Collection method: clinical testing. Allele origin: germline. Not counted in ClinVar's aggregate classification.
Comment: In summary, the available evidence is currently insufficient to determine the role of this variant in disease. Therefore, it has been classified as a Variant of Uncertain Significance. This variant is not present in population databases (ExAC no frequency). Algorithms developed to predict the effect of missense changes on protein structure and function (SIFT, PolyPhen-2, Align-GVGD) all suggest that this variant is likely to be tolerated. This variant has not been reported in the literature in individuals affected with RUNX1-related conditions. This sequence change replaces leucine with valine at codon 327 of the RUNX1 protein (p.Leu327Val). The leucine residue is moderately conserved and there is a small physicochemical difference between leucine and valine.